The following is an entry in ClinVar:

ClinVar aggregate classification (germline): Uncertain significance. Review status: criteria provided, multiple submitters, no conflicts (2 of 4 stars). 5 submissions from 5 submitters: Uncertain significance (5). Last evaluated 2024-10-14.

Conditions:
Temtamy syndrome (TEMTYS). Also called: MENTAL RETARDATION WITH OR WITHOUT CRANIOFACIAL DYSMORPHISM, OCULAR COLOBOMA, OR ABNORMAL CORPUS CALLOSUM. Identifiers: Orphanet 1777, MedGen C1857512, MONDO:0009033, OMIM 218340.
Inborn genetic diseases. Identifiers: MedGen C0950123, MeSH D030342.

Allele frequency attached by ClinVar (database versions not stated): ExAC 0.00005; gnomAD exomes 0.00008 and 0.00021; gnomAD 0.00009; TOPMed 0.00012; ESP Exome Variant Server 0.00015; 1000 Genomes Project 30x 0.00016; 1000 Genomes Project 0.00020.

Submissions (5):

ARUP Laboratories, Molecular Genetics and Genomics, ARUP Laboratories
Classification: Uncertain significance for Temtamy syndrome. Last evaluated: 2024-10-14. Review status: criteria provided, single submitter. Criteria: ARUP Molecular Germline Variant Investigation Process 2024. Collection method: clinical testing. Allele origin: germline.

GeneDx
Classification: Uncertain significance. Last evaluated: 2024-08-20. Review status: criteria provided, single submitter. Criteria: GeneDx Variant Classification Process June 2021. Collection method: clinical testing. Allele origin: germline. Affected: yes.
Comment: In silico analysis indicates that this missense variant does not alter protein structure/function; Has not been previously published as pathogenic or benign to our knowledge

Ambry Genetics
Classification: Uncertain significance for Inborn genetic diseases. Last evaluated: 2024-08-01. Review status: criteria provided, single submitter. Criteria: Ambry Variant Classification Scheme 2023. Collection method: clinical testing. Allele origin: germline.

Labcorp Genetics (formerly Invitae), Labcorp
Classification: Uncertain significance for Temtamy syndrome. Last evaluated: 2022-09-01. Review status: criteria provided, single submitter. Criteria: Invitae Variant Classification Sherloc (09022015). Collection method: clinical testing. Allele origin: germline.
Comment: This sequence change replaces alanine, which is neutral and non-polar, with threonine, which is neutral and polar, at codon 13 of the C12orf57 protein (p.Ala13Thr). This variant is present in population databases (rs201246220, gnomAD 0.02%). This variant has not been reported in the literature in individuals affected with C12orf57-related conditions. ClinVar contains an entry for this variant (Variation ID: 575714). Algorithms developed to predict the effect of missense changes on protein structure and function (SIFT, PolyPhen-2, Align-GVGD) all suggest that this variant is likely to be tolerated. In summary, the available evidence is currently insufficient to determine the role of this variant in disease. Therefore, it has been classified as a Variant of Uncertain Significance.

Fulgent Genetics
Classification: Uncertain significance for Temtamy syndrome. Last evaluated: 2018-10-31. Review status: criteria provided, single submitter. Criteria: ACMG Guidelines, 2015. Collection method: clinical testing. Allele origin: unknown.

NM_138425.4(C12orf57):c.37G>A (p.Ala13Thr)

Gene: C12orf57 (chromosome 12 open reading frame 57; plus strand). Cytogenetic location: 12p13.31.
Variant type: single nucleotide variant.
Coding change: c.37G>A on transcript NM_138425.4 (MANE Select); coding-DNA position 37, G replaced by A.
Protein change: p.Ala13Thr; replaces alanine 13 with threonine.
Molecular consequence: missense variant. On other transcripts: 5 prime UTR variant (1), non-coding transcript variant (1), intron variant (1).
Genome position (GRCh38, 1-based): chr12:6,944,158, G>A. VCF-style: chr12-6944158-G-A. GRCh37 (hg19) VCF-style: chr12-7053321-G-A.
Other names: c.37G>A, p.Ala13Thr (NM_001301834.1, NM_001301837.2); c.-165G>A (NM_001301838.2); c.14-318G>A (NM_001301836.2); c.37G>A (NM_138425.2); short protein forms A13T.
Identifiers: ClinVar variation 575714 (VCV000575714.11), dbSNP rs201246220, ClinGen allele CA6421190.
Genomic context (GRCh38, chr12:6,944,158, plus strand): 5'-TGAACCTAGAGCTTCAGACGCCCTATGGCGTCCGCCTCGACCCAACCGGCGGCCTTGAGC[G>A]CTGAGCAAGCAAAGGGTGAGAATCGTCCTAGTCAAGGCATAGGCTGCTGGCCTGGGGTAG-3'
Protein context (NP_612434.1, residues 3-23): SASTQPAALS[Ala13Thr]EQAKVVLAEV